The following is an entry in ClinVar:

ClinVar aggregate classification (germline): Uncertain significance (1 of 4 stars; one submission).

Conditions:
NRAP-related disorder. Also called: NRAP-related condition.

Allele frequency attached by ClinVar (database versions not stated): TOPMed below 0.00001; ExAC 0.00001; gnomAD 0.00001; gnomAD exomes 0.00001.
gnomAD v4.1: 13 of 1,612,726 alleles (0.00081%); highest among the groups gnomAD compares: African/African-American, 0.0013%; no homozygotes.

Submission:

PreventionGenetics, part of Exact Sciences
Classification: Uncertain significance for NRAP-related condition. Last evaluated: 2023-01-17. Review status: criteria provided, single submitter. Criteria: ACMG Guidelines, 2015. Collection method: clinical testing. Allele origin: germline.
Comment: The NRAP c.5089C>T variant is predicted to result in premature protein termination (p.Gln1697*). To our knowledge, this variant has not been reported in the literature. This variant is reported in 0.0016% of alleles in individuals of European (Non-Finnish) descent in gnomAD. This variant is in the terminal exon, and no other variants have been reported as causative nearby or downstream. At this time, the clinical significance of this variant is uncertain due to the absence of conclusive functional and genetic evidence.

NM_198060.4(NRAP):c.5089-3C>T

Genes: HABP2 (hyaluronan binding protein 2; plus strand), NRAP (nebulin related anchoring protein; minus strand). Cytogenetic location: 10q25.3.
Variant type: single nucleotide variant.
Coding change: c.5089-3C>T on transcript NM_198060.4 (MANE Select); 3 bases into the intron before coding-DNA position 5089, C replaced by T.
Molecular consequence: intron variant. On other transcripts: 3 prime UTR variant (2), nonsense (1).
Genome position (GRCh38, 1-based): chr10:113,589,082, G>A on the plus strand (C>T on the coding strand, the complement: NRAP is on the minus strand). VCF-style: chr10-113589082-G-A. GRCh37 (hg19) VCF-style: chr10-115348841-G-A.
Other names: c.*713G>A (NM_001177660.3, NM_004132.5); c.5089C>T, p.Gln1697Ter (NM_001261463.2); c.4984-3C>T (NM_006175.5); c.4981-3C>T (NM_001322945.2); short protein forms Q1697*.
Identifiers: ClinVar variation 2629595 (VCV002629595.1), dbSNP rs772289662, ClinGen allele CA5694164.